The following is an entry in ClinVar:

ClinVar aggregate classification (germline): Uncertain significance. Review status: criteria provided, multiple submitters, no conflicts (2 of 4 stars). 3 submissions from 3 submitters: Uncertain significance (3). Last evaluated 2023-04-07.

Conditions:
Charcot-Marie-Tooth disease type 4. Also called: Charcot-Marie-Tooth, Type 4; Charcot-Marie-Tooth disease, type IV. Identifiers: Orphanet 64749, MedGen C4082197, MONDO:0018995.
Charcot-Marie-Tooth disease type 4H (CMT4H). Also called: CHARCOT-MARIE-TOOTH DISEASE, DEMYELINATING, TYPE 4H; CHARCOT-MARIE-TOOTH DISEASE, AUTOSOMAL RECESSIVE, TYPE 4H; CHARCOT-MARIE-TOOTH DISEASE, DEMYELINATING, AUTOSOMAL RECESSIVE, TYPE 4H; CHARCOT-MARIE-TOOTH NEUROPATHY, TYPE 4H. Identifiers: Orphanet 99954, MedGen C1836336, MONDO:0012250, OMIM 609311.

Allele frequency attached by ClinVar (database versions not stated): gnomAD 0.00001; ExAC 0.00003; TOPMed below 0.00001.
gnomAD v4.1: 22 of 1,614,082 alleles (0.0014%); highest among the groups gnomAD compares: Non-Finnish European, 0.0019%; no homozygotes.

Submissions (3):

GeneDx
Classification: Uncertain significance. Last evaluated: 2023-04-07. Review status: criteria provided, single submitter. Criteria: GeneDx Variant Classification Process June 2021. Collection method: clinical testing. Allele origin: germline. Affected: yes.
Comment: Not observed at significant frequency in large population cohorts (gnomAD); In silico analysis supports that this missense variant has a deleterious effect on protein structure/function; Has not been previously published as pathogenic or benign to our knowledge; This variant is associated with the following publications: (PMID: 22734899)

Labcorp Genetics (formerly Invitae), Labcorp
Classification: Uncertain significance for Charcot-Marie-Tooth disease type 4. Last evaluated: 2022-05-25. Review status: criteria provided, single submitter. Criteria: Invitae Variant Classification Sherloc (09022015). Collection method: clinical testing. Allele origin: germline.
Comment: This sequence change replaces histidine, which is basic and polar, with glutamine, which is neutral and polar, at codon 126 of the FGD4 protein (p.His126Gln). This variant is present in population databases (rs757469397, gnomAD 0.005%). This variant has not been reported in the literature in individuals affected with FGD4-related conditions. ClinVar contains an entry for this variant (Variation ID: 1172838). Algorithms developed to predict the effect of missense changes on protein structure and function are either unavailable or do not agree on the potential impact of this missense change (SIFT: "Tolerated"; PolyPhen-2: "Not Available"; Align-GVGD: "Class C0"). Algorithms developed to predict the effect of sequence changes on RNA splicing suggest that this variant may create or strengthen a splice site. In summary, the available evidence is currently insufficient to determine the role of this variant in disease. Therefore, it has been classified as a Variant of Uncertain Significance.

Institute of Human Genetics, University of Goettingen
Classification: Uncertain significance for Charcot-Marie-Tooth disease type 4H. Last evaluated: 2021-06-18. Review status: criteria provided, single submitter. Criteria: ACMG Guidelines, 2015. Collection method: clinical testing. Allele origin: unknown. Inheritance: Autosomal recessive inheritance. Observed: 1 variant allele, 1 heterozygote.
Comment: The FGD4 variant c.378C>G (p.(His126Gln)) is found at a population frequency of 0.0024% in the gnomAD database, it affects a weakly conserved nucleotide and a weakly conserved amino acid and there is a small physicochemical difference between His and Gln. This variant has a benign computational verdict based on 12 benign predictions from BayesDel_addAF, DANN, DEOGEN2, EIGEN, FATHMM-MKL, LIST-S2, M-CAP, MVP, MutationAssessor, MutationTaster, PolyPhen-2, PrimateAI and SIFT vs no pathogenic predictions, although some in silico prediction programs predict an influence of this variant on RNA-splicing (SpliceSiteFinder-like, MaxEntScan & GeneSplicer vs varSEAK Splice Site Prediction and NNSPLICE). ACMG criteria used for classification: PM2.

NM_001370298.3(FGD4):c.789C>G (p.His263Gln)

Gene: FGD4 (FYVE, RhoGEF and PH domain containing 4; plus strand). Cytogenetic location: 12p11.21.
Variant type: single nucleotide variant.
Coding change: c.789C>G on transcript NM_001370298.3 (MANE Select); coding-DNA position 789, C replaced by G.
Protein change: p.His263Gln; replaces histidine 263 with glutamine.
Molecular consequence: missense variant. On other transcripts: 5 prime UTR variant (2), non-coding transcript variant (1), intron variant (1).
Genome position (GRCh38, 1-based): chr12:32,582,245, C>G. VCF-style: chr12-32582245-C-G. GRCh37 (hg19) VCF-style: chr12-32735179-C-G.
Other names: c.633C>G, p.His211Gln (NM_001304481.2); c.-467C>G (NM_001304483.2); c.-774C>G (NM_001304484.2); c.99C>G, p.His33Gln (NM_001330373.2, NM_001330374.2, NM_001384130.1); c.789C>G, p.His263Gln (NM_001384126.1); c.378C>G, p.His126Gln (NM_001384127.1, NM_001384128.1, NM_001384131.1 and 3 more transcripts); c.49-16252C>G (NM_001370297.1); c.378C>G (NM_139241.2); short protein forms H126Q, H211Q, H263Q, H33Q.
Identifiers: ClinVar variation 1172838 (VCV001172838.9), dbSNP rs757469397, ClinGen allele CA6506622.